The following is an entry in ClinVar:

ClinVar aggregate classification (germline): not provided (0 of 4 stars; one submission).

Allele frequency attached by ClinVar (database versions not stated): gnomAD 0.00001; gnomAD exomes 0.00001; TOPMed 0.00002.
gnomAD v4.1: 16 of 1,551,120 alleles (0.001%); highest among the groups gnomAD compares: East Asian, 0.0046%; no homozygotes.

Submission:

Human Evolutionary Genetics, Institut Pasteur
No classification provided. Review status: no classification provided. Collection method: not provided. Allele origin: germline.
ClinVar note: Converted during submission from untested to not provided.

NM_001384950.1(NLRC5):c.424+46C>G

Gene: NLRC5 (NLR family CARD domain containing 5; plus strand). Cytogenetic location: 16q13.
Variant type: single nucleotide variant.
Coding change: c.424+46C>G on transcript NM_001384950.1 (MANE Select); 46 bases into the intron after coding-DNA position 424, C replaced by G.
Molecular consequence: intron variant.
Genome position (GRCh38, 1-based): chr16:57,023,899, C>G. VCF-style: chr16-57023899-C-G. GRCh37 (hg19) VCF-style: chr16-57057811-C-G.
Other names: c.424+46C>G (NM_001384954.1, NM_001384953.1, NM_001384957.1 and 22 more transcripts).
Identifiers: ClinVar variation 103193 (VCV000103193.2), dbSNP rs199475969, ClinGen allele CA230241.